The following is an entry in ClinVar:

NM_003919.3(SGCE):c.81C>T (p.Pro27=)

Gene: SGCE (sarcoglycan epsilon; minus strand). Cytogenetic location: 7q21.3.
Variant type: single nucleotide variant.
Coding change: c.81C>T on transcript NM_003919.3 (MANE Select); coding-DNA position 81, C replaced by T.
Protein change: p.Pro27=; no amino-acid change (proline 27 retained).
Molecular consequence: synonymous variant. On other transcripts: 5 prime UTR variant (4).
Genome position (GRCh38, 1-based): chr7:94,656,018, G>A on the plus strand (C>T on the coding strand, the complement: SGCE is on the minus strand). VCF-style: chr7-94656018-G-A. GRCh37 (hg19) VCF-style: chr7-94285330-G-A.
Other names: c.81C>T, p.Pro27= (NM_001099400.2, NM_001099401.2, NM_001301139.2 and 4 more transcripts); c.-177C>T (NM_001346719.2); c.-255C>T (NM_001346720.2, NM_001362808.2); c.-183C>T (NM_001362807.2).
Identifiers: ClinVar variation 1579586 (VCV001579586.30), dbSNP rs1318367897, ClinGen allele CA456529447.

ClinVar aggregate classification (germline): Likely benign. Review status: criteria provided, multiple submitters, no conflicts (2 of 4 stars). 2 submissions from 2 submitters: Likely benign (2). Last evaluated 2024-02-05.

Conditions:
Myoclonic dystonia 11 (DYT11). Also called: SGCE Myoclonus-Dystonia; Myoclonus-Dystonia; DYT-SGCE; Myoclonic dystonia; Dystonia 11; Dystonia, alcohol responsive. Identifiers: Orphanet 36899, MedGen C1834570, MONDO:0008044, OMIM 159900.

Allele frequency attached by ClinVar (database versions not stated): gnomAD exomes below 0.00001; TOPMed 0.00001.
gnomAD v4.1: 5 of 1,612,096 alleles (0.00031%); highest among the groups gnomAD compares: East Asian, 0.0022%; no homozygotes.

Submissions (2):

Labcorp Genetics (formerly Invitae), Labcorp
Classification: Likely benign for Myoclonic dystonia 11. Last evaluated: 2024-02-05. Review status: criteria provided, single submitter. Criteria: Invitae Variant Classification Sherloc (09022015). Collection method: clinical testing. Allele origin: germline.

CeGaT Center for Human Genetics Tuebingen
Classification: Likely benign. Last evaluated: 2022-09-01. Review status: criteria provided, single submitter. Criteria: CeGaT Center For Human Genetics Tuebingen Variant Classification Criteria Version 2. Collection method: clinical testing. Allele origin: germline. Affected: yes. Observed: 1 variant allele.
Comment: SGCE: PM2:Supporting, BP4, BP7